The following is an entry in ClinVar:

ClinVar aggregate classification (germline): Benign. Review status: criteria provided, multiple submitters, no conflicts (2 of 4 stars). 2 submissions from 2 submitters: Benign (2). Last evaluated 2018-01-12.

Conditions:
Mitochondrial DNA depletion syndrome, myopathic form (MTDPS2). Also called: MITOCHONDRIAL DNA DEPLETION SYNDROME 2 (MYOPATHIC TYPE); MITOCHONDRIAL DNA DEPLETION MYOPATHY, TK2-RELATED; TK2-Related Mitochondrial DNA Maintenance Defect, Myopathic Form. Identifiers: Orphanet 254875, MedGen C3149750, MONDO:0012301, OMIM 609560.

Allele frequency attached by ClinVar (database versions not stated): gnomAD 0.13136 and 0.13122; TOPMed 0.13943; 1000 Genomes Project 30x 0.18754; gnomAD exomes 0.04536; 1000 Genomes Project 0.18810.
gnomAD v4.1: 19,887 of 153,138 alleles (13%); highest among the groups gnomAD compares: African/African-American, 32%; 2,433 homozygotes.

Submissions (2):

Illumina Laboratory Services, Illumina
Classification: Benign for Mitochondrial DNA depletion syndrome, myopathic form. Last evaluated: 2018-01-12. Review status: criteria provided, single submitter. Criteria: ICSL Variant Classification Criteria 13 December 2019. Collection method: clinical testing. Allele origin: germline.
Comment: This variant was observed in the ICSL laboratory as part of a predisposition screen in an ostensibly healthy population. It had not been previously curated by ICSL or reported in the Human Gene Mutation Database (HGMD: prior to June 1st, 2018), and was therefore a candidate for classification through an automated scoring system. Utilizing variant allele frequency, disease prevalence and penetrance estimates, and inheritance mode, an automated score was calculated to assess if this variant is too frequent to cause the disease. Based on the score and internal cut-off values, a variant classified as benign is not then subjected to further curation. The score for this variant resulted in a classification of benign for this disease.

Breakthrough Genomics
Classification: Benign. Review status: criteria provided, single submitter. Criteria: ACMG Guidelines, 2015. Collection method: not provided. Allele origin: germline. Inheritance: Autosomal recessive inheritance. Affected: yes.

NM_004614.5(TK2):c.*765T>C

Gene: TK2 (thymidine kinase 2; minus strand). Cytogenetic location: 16q21.
Variant type: single nucleotide variant.
Coding change: c.*765T>C on transcript NM_004614.5 (MANE Select); 765 bases downstream of the stop codon, T replaced by C.
Molecular consequence: 3 prime UTR variant. On other transcripts: non-coding transcript variant (1).
Genome position (GRCh38, 1-based): chr16:66,511,203, A>G on the plus strand (T>C on the coding strand, the complement: TK2 is on the minus strand). VCF-style: chr16-66511203-A-G. GRCh37 (hg19) VCF-style: chr16-66545106-A-G.
Other names: c.*765T>C (NM_001172643.1, NM_001172644.2, NM_001172645.2 and 2 more transcripts); c.*860T>C (NM_001271935.1).
Identifiers: ClinVar variation 320149 (VCV000320149.6), dbSNP rs880530, ClinGen allele CA10647909.